The following is an entry in ClinVar:

NM_020751.3(COG6):c.1737G>C (p.Lys579Asn)

Gene: COG6 (component of oligomeric golgi complex 6; plus strand). Cytogenetic location: 13q14.11.
Variant type: single nucleotide variant.
Coding change: c.1737G>C on transcript NM_020751.3 (MANE Select); coding-DNA position 1737, G replaced by C.
Protein change: p.Lys579Asn; replaces lysine 579 with asparagine.
Molecular consequence: missense variant. On other transcripts: non-coding transcript variant (1).
Genome position (GRCh38, 1-based): chr13:39,724,552, G>C. VCF-style: chr13-39724552-G-C. GRCh37 (hg19) VCF-style: chr13-40298689-G-C.
Other names: c.1737G>C, p.Lys579Asn (NM_001145079.2); short protein forms K579N.
Identifiers: ClinVar variation 4989598 (VCV004989598.1).

ClinVar aggregate classification (germline): Uncertain significance (1 of 4 stars; one submission).

Conditions:
COG6-related disorder.

gnomAD v4.1: 99 of 1,594,798 alleles (0.0062%); highest among the groups gnomAD compares: Non-Finnish European, 0.0076%; no homozygotes.

Submission:

PreventionGenetics, part of Exact Sciences
Classification: Uncertain significance for COG6-related condition. Last evaluated: 2024-12-16. Review status: criteria provided, single submitter. Criteria: ACMG Guidelines, 2015. Collection method: clinical testing. Allele origin: germline.
Comment: The COG6 c.1737G>C variant is predicted to result in the amino acid substitution p.Lys579Asn. To our knowledge, this variant has not been reported in the literature. This variant is reported in 0.0054% of alleles in individuals of European (Non-Finnish) descent in gnomAD. At this time, the clinical significance of this variant is uncertain due to the absence of conclusive functional and genetic evidence.